The following is an entry in ClinVar:

NM_000059.4(BRCA2):c.2420T>G (p.Val807Gly)

Gene: BRCA2 (BRCA2 DNA repair associated; plus strand). Cytogenetic location: 13q13.1.
Variant type: single nucleotide variant.
Coding change: c.2420T>G on transcript NM_000059.4 (MANE Select); coding-DNA position 2420, T replaced by G.
Protein change: p.Val807Gly; replaces valine 807 with glycine.
Molecular consequence: missense variant. On other transcripts: non-coding transcript variant (1), intron variant (2).
Genome position (GRCh38, 1-based): chr13:32,336,775, T>G. VCF-style: chr13-32336775-T-G. GRCh37 (hg19) VCF-style: chr13-32910912-T-G.
Other names: c.2420T>G, p.Val807Gly (NM_001406719.1, NM_001406720.1, NM_001432077.1); c.1909+3388T>G (NM_001406721.1); c.424+5745T>G (NM_001406722.1); short protein forms V807G.
Identifiers: ClinVar variation 3482197 (VCV003482197.1).

ClinVar aggregate classification (germline): Uncertain significance (1 of 4 stars; one submission).

Conditions:
Hereditary cancer-predisposing syndrome. Also called: Tumor predisposition; Neoplastic Syndromes, Hereditary; Hereditary Cancer Syndrome; Hereditary neoplastic syndrome. Identifiers: Orphanet 140162, MedGen C0027672, MeSH D009386, MONDO:0015356.

Submission:

Ambry Genetics
Classification: Uncertain significance for Hereditary cancer-predisposing syndrome. Last evaluated: 2024-11-20. Review status: criteria provided, single submitter. Criteria: Ambry Variant Classification Scheme 2023. Collection method: clinical testing. Allele origin: germline.
Comment: The p.V807G variant (also known as c.2420T>G), located in coding exon 10 of the BRCA2 gene, results from a T to G substitution at nucleotide position 2420. The valine at codon 807 is replaced by glycine, an amino acid with dissimilar properties. This amino acid position is conserved. In addition, this alteration is predicted to be tolerated by in silico analysis. Based on the available evidence, the clinical significance of this variant remains unclear.